The following is an entry in ClinVar:

ClinVar aggregate classification (germline): Uncertain significance (1 of 4 stars; one submission).

Conditions:
Multiple congenital exostosis (EXT). Also called: Multiple osteochondromas; MULTIPLE CARTILAGINOUS EXOSTOSES; Hereditary multiple exostoses; Hereditary multiple exostosis; Hereditary multiple osteochondromas; Multiple exostoses. Identifiers: Orphanet 321, MedGen C0015306, MONDO:0005508, HP:0002762.

Submission:

Labcorp Genetics (formerly Invitae), Labcorp
Classification: Uncertain significance for Multiple congenital exostosis. Last evaluated: 2020-11-03. Review status: criteria provided, single submitter. Criteria: Invitae Variant Classification Sherloc (09022015). Collection method: clinical testing. Allele origin: germline.
Comment: In summary, the available evidence is currently insufficient to determine the role of this variant in disease. Therefore, it has been classified as a Variant of Uncertain Significance. Advanced modeling of protein sequence and biophysical properties (such as structural, functional, and spatial information, amino acid conservation, physicochemical variation, residue mobility, and thermodynamic stability) performed at Invitae indicates that this missense variant is expected to disrupt EXT1 protein function. This variant has not been reported in the literature in individuals with EXT1-related conditions. This variant is not present in population databases (ExAC no frequency). This sequence change replaces tryptophan with cysteine at codon 200 of the EXT1 protein (p.Trp200Cys). The tryptophan residue is moderately conserved and there is a large physicochemical difference between tryptophan and cysteine.

NM_000127.3(EXT1):c.600G>C (p.Trp200Cys)

Gene: EXT1 (exostosin glycosyltransferase 1; minus strand). Cytogenetic location: 8q24.11.
Variant type: single nucleotide variant.
Coding change: c.600G>C on transcript NM_000127.3 (MANE Select); coding-DNA position 600, G replaced by C.
Protein change: p.Trp200Cys; replaces tryptophan 200 with cysteine.
Molecular consequence: missense variant.
Genome position (GRCh38, 1-based): chr8:118,110,447, C>G on the plus strand (G>C on the coding strand, the complement: EXT1 is on the minus strand). VCF-style: chr8-118110447-C-G. GRCh37 (hg19) VCF-style: chr8-119122686-C-G.
Other names: short protein forms W200C.
Identifiers: ClinVar variation 1016690 (VCV001016690.8), dbSNP rs1817876148, ClinGen allele CA371915479.